The following is an entry in ClinVar:

ClinVar aggregate classification (germline): Likely pathogenic (1 of 4 stars; one submission).

Conditions:
Elliptocytosis 1 (EL1). Also called: 4.1- TRAIT; 4.1-MINUS TRAIT; ELLIPTOCYTOSIS, RHESUS-LINKED TYPE; PROTEIN 4.1 OF ERYTHROCYTE MEMBRANE, DEFECT OF. Identifiers: Orphanet 288, MedGen C2678497, MONDO:0012731, OMIM 611804.

Submission:

ARUP Laboratories, Molecular Genetics and Genomics, ARUP Laboratories
Classification: Likely pathogenic for Elliptocytosis 1. Last evaluated: 2025-07-15. Review status: criteria provided, single submitter. Criteria: ARUP Molecular Germline Variant Investigation Process 2024. Collection method: clinical testing. Allele origin: germline.
Comment: The EPB41 c.203-1G>T variant, to our knowledge, is not reported in the medical literature or gene specific databases. This variant is also absent from the Genome Aggregation Database (v2.1.1), indicating it is not a common polymorphism. This variant disrupts the canonical splice acceptor site of intron 6, which is likely to negatively impact gene function. Based on available information, this variant is considered to be likely pathogenic.

NM_001376013.1(EPB41):c.830-1G>T

Gene: EPB41 (erythrocyte membrane protein band 4.1; plus strand). Cytogenetic location: 1p35.3.
Variant type: single nucleotide variant.
Coding change: c.830-1G>T on transcript NM_001376013.1 (MANE Select); the canonical splice acceptor site of the intron before coding-DNA position 830, G replaced by T.
Molecular consequence: splice acceptor variant.
Genome position (GRCh38, 1-based): chr1:29,015,691, G>T. VCF-style: chr1-29015691-G-T. GRCh37 (hg19) VCF-style: chr1-29342203-G-T.
Other names: c.203-1G>T (NM_203342.3, NM_004437.4, NM_001376022.1 and 7 more transcripts); c.830-1G>T (NM_001166005.2, NM_001376014.1, NM_001376015.1 and 7 more transcripts); c.725-1G>T (NM_203343.3).
Identifiers: ClinVar variation 4685959 (VCV004685959.1).
Genomic context (GRCh38, chr1:29,015,691, plus strand): 5'-TACTTCCAACAATTAGAAACTTAGGTATAAACGTAAAATTCTTTTGTGTTTATTTTTATA[G>T]GTGTCCCTTGGAATTTTACATTTAATGTAAAGTTTTATCCACCTGACCCAGCACAGTTAA-3'